The following is an entry in ClinVar:

ClinVar aggregate classification (germline): Uncertain significance (1 of 4 stars; one submission).

Submission:

Labcorp Genetics (formerly Invitae), Labcorp
Classification: Uncertain significance. Last evaluated: 2023-12-08. Review status: criteria provided, single submitter. Criteria: Invitae Variant Classification Sherloc (09022015). Collection method: clinical testing. Allele origin: germline.
Comment: This sequence change replaces tyrosine, which is neutral and polar, with phenylalanine, which is neutral and non-polar, at codon 685 of the MSH3 protein (p.Tyr685Phe). This variant is not present in population databases (gnomAD no frequency). This variant has not been reported in the literature in individuals affected with MSH3-related conditions. An algorithm developed to predict the effect of missense changes on protein structure and function (PolyPhen-2) suggests that this variant is likely to be tolerated. In summary, the available evidence is currently insufficient to determine the role of this variant in disease. Therefore, it has been classified as a Variant of Uncertain Significance.

NM_002439.5(MSH3):c.2054A>T (p.Tyr685Phe)

Gene: MSH3 (mutS homolog 3; plus strand). Cytogenetic location: 5q14.1.
Variant type: single nucleotide variant.
Coding change: c.2054A>T on transcript NM_002439.5 (MANE Select); coding-DNA position 2054, A replaced by T.
Protein change: p.Tyr685Phe; replaces tyrosine 685 with phenylalanine.
Molecular consequence: missense variant.
Genome position (GRCh38, 1-based): chr5:80,768,090, A>T. VCF-style: chr5-80768090-A-T. GRCh37 (hg19) VCF-style: chr5-80063909-A-T.
Other names: short protein forms Y685F.
Identifiers: ClinVar variation 2701475 (VCV002701475.3), dbSNP rs1744154534, ClinGen allele CA360277903.